The following is an entry in ClinVar:

NM_001364905.1(LRBA):c.865T>C (p.Cys289Arg)

Gene: LRBA (LPS responsive beige-like anchor protein; minus strand). Cytogenetic location: 4q31.3.
Variant type: single nucleotide variant.
Coding change: c.865T>C on transcript NM_001364905.1 (MANE Select); coding-DNA position 865, T replaced by C.
Protein change: p.Cys289Arg; replaces cysteine 289 with arginine.
Molecular consequence: missense variant.
Genome position (GRCh38, 1-based): chr4:150,916,430, A>G on the plus strand (T>C on the coding strand, the complement: LRBA is on the minus strand). VCF-style: chr4-150916430-A-G. GRCh37 (hg19) VCF-style: chr4-151837582-A-G.
Other names: c.865T>C, p.Cys289Arg (NM_001199282.3, NM_001367550.1, NM_006726.5); short protein forms C289R.
Identifiers: ClinVar variation 1052910 (VCV001052910.8), dbSNP rs776451692, ClinGen allele CA3103752.
Genomic context (GRCh38, chr4:150,916,430, plus strand): 5'-AACATAACTATGACTCAAGAAGATCATGTACCTTTTGTGGCTTGAAATCAAATTTCACAC[A>G]GTGTTGAAAGCCTTTTCCTTTTGACTTTATTGATGTTACAATCAAACAGCCTCCAACAAA-3'
Protein context (NP_001351834.1, residues 279-299): IKSKGKGFQH[Cys289Arg]VKFDFKPQKW

ClinVar aggregate classification (germline): Uncertain significance. Review status: criteria provided, multiple submitters, no conflicts (2 of 4 stars). 2 submissions from 2 submitters: Uncertain significance (2). Last evaluated 2025-05-21.

Conditions:
Inborn genetic diseases. Identifiers: MedGen C0950123, MeSH D030342.
Combined immunodeficiency due to LRBA deficiency. Also called: Common variable immunodeficiency 8, with autoimmunity. Identifiers: Orphanet 445018, MedGen C3553512, MONDO:0013863, OMIM 614700.

Allele frequency attached by ClinVar (database versions not stated): gnomAD exomes below 0.00001; ExAC 0.00001; gnomAD 0.00003 and 0.00004; TOPMed 0.00003.
gnomAD v4.1: 18 of 1,613,154 alleles (0.0011%); highest among the groups gnomAD compares: Non-Finnish European, 0.0015%; no homozygotes.

Submissions (2):

Labcorp Genetics (formerly Invitae), Labcorp
Classification: Uncertain significance for Combined immunodeficiency due to LRBA deficiency. Last evaluated: 2025-05-21. Review status: criteria provided, single submitter. Criteria: Invitae Variant Classification Sherloc (09022015). Collection method: clinical testing. Allele origin: germline.
Comment: This sequence change replaces cysteine, which is neutral and slightly polar, with arginine, which is basic and polar, at codon 289 of the LRBA protein (p.Cys289Arg). This variant is present in population databases (rs776451692, gnomAD 0.002%). This variant has not been reported in the literature in individuals affected with LRBA-related conditions. ClinVar contains an entry for this variant (Variation ID: 1052910). Invitae Evidence Modeling of protein sequence and biophysical properties (such as structural, functional, and spatial information, amino acid conservation, physicochemical variation, residue mobility, and thermodynamic stability) indicates that this missense variant is expected to disrupt LRBA protein function with a positive predictive value of 80%. In summary, the available evidence is currently insufficient to determine the role of this variant in disease. Therefore, it has been classified as a Variant of Uncertain Significance.

Ambry Genetics
Classification: Uncertain significance for Inborn genetic diseases. Last evaluated: 2023-12-27. Review status: criteria provided, single submitter. Criteria: Ambry Variant Classification Scheme 2023. Collection method: clinical testing. Allele origin: germline.